The following is an entry in ClinVar:

NM_001395891.1(CLASP1):c.4140+10del

Gene: CLASP1 (cytoplasmic linker associated protein 1; minus strand). Cytogenetic location: 2q14.2.
Variant type: Deletion.
Coding change: c.4140+10del on transcript NM_001395891.1 (MANE Select); 10 bases into the intron after coding-DNA position 4140, one base deleted (T; older notation c.4140+10delT).
Molecular consequence: intron variant.
Genome position (GRCh38, 1-based): chr2:121,365,084, A deleted on the plus strand (T on the coding strand, the reverse complement: CLASP1 is on the minus strand). VCF-style (leftmost placement, unchanged base first): chr2-121365083-CA-C. GRCh37 (hg19) VCF-style: chr2-122122659-CA-C.
Other names: c.3876+10del (NM_001142274.2); c.4077+10del (NM_015282.3); c.3981+10del (NM_001378003.1); c.3873+10del (NM_001378004.1); c.3900+10del (NM_001142273.2); c.3894+10del (NM_001207051.2, NM_001378005.1).
Identifiers: ClinVar variation 3051255 (VCV003051255.2), dbSNP rs754517487, ClinGen allele CA1853441.

ClinVar aggregate classification (germline): Likely benign (0 of 4 stars; one submission).

Conditions:
CLASP1-related disorder. Also called: CLASP1-related condition.

Allele frequency attached by ClinVar (database versions not stated): gnomAD 0.00002; gnomAD exomes 0.00003; ExAC 0.00006.

Submission:

PreventionGenetics, part of Exact Sciences
Classification: Likely benign for CLASP1-related condition. Last evaluated: 2019-04-08. Review status: no assertion criteria provided. Collection method: clinical testing. Allele origin: germline.
Comment: This variant is classified as likely benign based on ACMG/AMP sequence variant interpretation guidelines (Richards et al. 2015 PMID: 25741868, with internal and published modifications).